The following is an entry in ClinVar:

ClinVar aggregate classification (germline): Likely benign (1 of 4 stars; one submission).

Conditions:
Retinitis pigmentosa (RP). Identifiers: Orphanet 791, MedGen C0035334, MeSH D012174, MONDO:0019200, OMIM 268000. Inheritance: Autosomal dominant, autosomal recessive and X linked inheritance.

Allele frequency attached by ClinVar (database versions not stated): gnomAD 0.01239; 1000 Genomes Project 0.01418; TOPMed 0.01495; 1000 Genomes Project 30x 0.01640.

Submission:

Illumina Laboratory Services, Illumina
Classification: Likely benign for Retinitis pigmentosa. Last evaluated: 2018-01-13. Review status: criteria provided, single submitter. Criteria: ICSL Variant Classification Criteria 13 December 2019. Collection method: clinical testing. Allele origin: germline.
Comment: This variant was observed in the ICSL laboratory as part of a predisposition screen in an ostensibly healthy population. It had not been previously curated by ICSL or reported in the Human Gene Mutation Database (HGMD: prior to June 1st, 2018), and was therefore a candidate for classification through an automated scoring system. Utilizing variant allele frequency, disease prevalence and penetrance estimates, and inheritance mode, an automated score was calculated to assess if this variant is too frequent to cause the disease. Based on the score and internal cut-off values, a variant classified as likely benign is not then subjected to further curation. The score for this variant resulted in a classification of likely benign for this disease.

NM_001029883.3(PCARE):c.*2209G>A

Gene: PCARE (photoreceptor cilium actin regulator; minus strand). Cytogenetic location: 2p23.2.
Variant type: single nucleotide variant.
Coding change: c.*2209G>A on transcript NM_001029883.3 (MANE Select); 2209 bases downstream of the stop codon, G replaced by A.
Molecular consequence: 3 prime UTR variant.
Genome position (GRCh38, 1-based): chr2:29,062,660, C>T on the plus strand (G>A on the coding strand, the complement: PCARE is on the minus strand). VCF-style: chr2-29062660-C-T. GRCh37 (hg19) VCF-style: chr2-29285526-C-T.
Identifiers: ClinVar variation 335589 (VCV000335589.5), dbSNP rs77448535, ClinGen allele CA10615182.